The following is an entry in ClinVar:

NM_001127208.3(TET2):c.3594+1G>A

Genes: TET2 (tet methylcytosine dioxygenase 2; plus strand), TET2-AS1 (TET2 antisense RNA 1; minus strand). Cytogenetic location: 4q24.
Variant type: single nucleotide variant.
Coding change: c.3594+1G>A on transcript NM_001127208.3 (MANE Select); the canonical splice donor site of the intron after coding-DNA position 3594, G replaced by A.
Molecular consequence: splice donor variant.
Genome position (GRCh38, 1-based): chr4:105,242,928, G>A. VCF-style: chr4-105242928-G-A. GRCh37 (hg19) VCF-style: chr4-106164085-G-A.
Identifiers: ClinVar variation 3687387 (VCV003687387.2).
Genomic context (GRCh38, chr4:105,242,928, plus strand): 5'-AGAGTCATCTATACTGGTAAAGAAGGCAAAAGTTCTCAGGGATGTCCTATTGCTAAGTGG[G>A]TAAGTGTGACTTGATAAAGCCTTTGGTCTTAAATCTTGGGCATTTTGATTTGTAAATCTG-3'

ClinVar aggregate classification (germline): Likely pathogenic (1 of 4 stars; one submission).

gnomAD v4.1: 2 of 1,549,672 alleles (0.00013%); highest among the groups gnomAD compares: Non-Finnish European, 0.00017%; no homozygotes.

Submission:

Labcorp Genetics (formerly Invitae), Labcorp
Classification: Likely pathogenic. Last evaluated: 2024-07-22. Review status: criteria provided, single submitter. Criteria: Invitae Variant Classification Sherloc (09022015). Collection method: clinical testing. Allele origin: germline.
Comment: This sequence change affects a donor splice site in intron 5 of the TET2 gene. It is expected to disrupt RNA splicing. Variants that disrupt the donor or acceptor splice site typically lead to a loss of protein function (PMID: 16199547), and loss-of-function variants in TET2 are known to be pathogenic (PMID: 36066697). This variant is not present in population databases (gnomAD no frequency). This variant has not been reported in the literature in individuals affected with TET2-related conditions. Algorithms developed to predict the effect of sequence changes on RNA splicing suggest that this variant may disrupt the consensus splice site. In summary, the currently available evidence indicates that the variant is pathogenic, but additional data are needed to prove that conclusively. Therefore, this variant has been classified as Likely Pathogenic.

Literature cited by the submitters: PubMed 16199547; PubMed 36066697.